The following is an entry in ClinVar:

ClinVar aggregate classification (germline): Pathogenic (1 of 4 stars; one submission).

Submission:

Labcorp Genetics (formerly Invitae), Labcorp
Classification: Pathogenic. Last evaluated: 2021-04-18. Review status: criteria provided, single submitter. Criteria: Invitae Variant Classification Sherloc (09022015). Collection method: clinical testing. Allele origin: germline.
Comment: For these reasons, this variant has been classified as Pathogenic. This variant has not been reported in the literature in individuals with EPHB4-related conditions. This variant is not present in population databases (ExAC no frequency). This sequence change creates a premature translational stop signal (p.Tyr194*) in the EPHB4 gene. It is expected to result in an absent or disrupted protein product. Loss-of-function variants in EPHB4 are known to be pathogenic (PMID: 28687708).

Literature cited by the submitters: PubMed 28687708.

NM_004444.5(EPHB4):c.582C>A (p.Tyr194Ter)

Gene: EPHB4 (EPH receptor B4; minus strand). Cytogenetic location: 7q22.1.
Variant type: single nucleotide variant.
Coding change: c.582C>A on transcript NM_004444.5 (MANE Select); coding-DNA position 582, C replaced by A.
Protein change: p.Tyr194Ter; replaces tyrosine 194 with a stop codon.
Molecular consequence: nonsense.
Genome position (GRCh38, 1-based): chr7:100,822,497, G>T on the plus strand (C>A on the coding strand, the complement: EPHB4 is on the minus strand). VCF-style: chr7-100822497-G-T. GRCh37 (hg19) VCF-style: chr7-100420119-G-T.
Other names: short protein forms Y194*.
Identifiers: ClinVar variation 1456371 (VCV001456371.6), dbSNP rs2116458223, ClinGen allele CA368581240.